The following is an entry in ClinVar:

ClinVar aggregate classification (germline): Uncertain significance (1 of 4 stars; one submission).

Allele frequency attached by ClinVar (database versions not stated): gnomAD exomes 0.00001; ExAC 0.00003.
gnomAD v4.1: 15 of 1,611,978 alleles (0.00093%); highest among the groups gnomAD compares: South Asian, 0.012%; no homozygotes.

Submission:

Labcorp Genetics (formerly Invitae), Labcorp
Classification: Uncertain significance. Last evaluated: 2022-03-01. Review status: criteria provided, single submitter. Criteria: Invitae Variant Classification Sherloc (09022015). Collection method: clinical testing. Allele origin: germline.
Comment: This variant is present in population databases (rs760500404, gnomAD 0.004%). This variant has not been reported in the literature in individuals affected with LRRC56-related conditions. Algorithms developed to predict the effect of missense changes on protein structure and function (SIFT, PolyPhen-2, Align-GVGD) all suggest that this variant is likely to be tolerated. In summary, the available evidence is currently insufficient to determine the role of this variant in disease. Therefore, it has been classified as a Variant of Uncertain Significance. This sequence change replaces threonine, which is neutral and polar, with isoleucine, which is neutral and non-polar, at codon 191 of the LRRC56 protein (p.Thr191Ile).

NM_198075.4(LRRC56):c.572C>T (p.Thr191Ile)

Gene: LRRC56 (leucine rich repeat containing 56; plus strand). Cytogenetic location: 11p15.5.
Variant type: single nucleotide variant.
Coding change: c.572C>T on transcript NM_198075.4 (MANE Select); coding-DNA position 572, C replaced by T.
Protein change: p.Thr191Ile; replaces threonine 191 with isoleucine.
Molecular consequence: missense variant.
Genome position (GRCh38, 1-based): chr11:550,220, C>T. VCF-style: chr11-550220-C-T. GRCh37 (hg19) VCF-style: chr11-550220-C-T.
Other names: short protein forms T191I.
Identifiers: ClinVar variation 1974000 (VCV001974000.5), dbSNP rs760500404, ClinGen allele CA5779751.